The following is an entry in ClinVar:

NM_004484.4(GPC3):c.1090_1099del (p.Glu364fs)

Gene: GPC3 (glypican 3; minus strand). Cytogenetic location: Xq26.2.
Variant type: Deletion.
Coding change: c.1090_1099del on transcript NM_004484.4 (MANE Select); coding-DNA positions 1090 to 1099, 10 bases deleted (GAAGATCTCT; older notation c.1090_1099delGAAGATCTCT).
Protein change: p.Glu364fs; shifts the reading frame from glutamic acid 364.
Molecular consequence: frameshift variant.
Genome position (GRCh38, 1-based): chrX:133,699,962-133,699,971, AGAGATCTTC deleted on the plus strand (GAAGATCTCT on the coding strand, the reverse complement: GPC3 is on the minus strand); deleting any 10 consecutive bases within chrX:133,699,962-133,699,973 gives the same sequence; the c. name uses the placement nearest the transcript's 3' end. VCF-style (leftmost placement, unchanged base first): chrX-133699961-AAGAGATCTTC-A. GRCh37 (hg19) VCF-style: chrX-132833989-AAGAGATCTTC-A.
Other names: c.1159_1168del, p.Glu387fs (NM_001164617.2); c.1042_1051del, p.Glu348fs (NM_001164618.2); c.928_937del, p.Glu310fs (NM_001164619.2); short protein forms E310fs, E348fs, E364fs, E387fs.
Identifiers: ClinVar variation 4879771 (VCV004879771.1).

ClinVar aggregate classification (germline): Pathogenic (1 of 4 stars; one submission).

Conditions:
Simpson-Golabi-Behmel syndrome type 1 (SGBS1). Also called: GPC3-Related Simpson-Golabi-Behmel Syndrome Type 1; BULLDOG SYNDROME; DYSPLASIA GIGANTISM SYNDROME, X-LINKED; GOLABI-ROSEN SYNDROME; SIMPSON DYSMORPHIA SYNDROME. Identifiers: Orphanet 373, MedGen C0796154, MONDO:0020602, OMIM 312870.

Submission:

Victorian Clinical Genetics Services, Murdoch Childrens Research Institute
Classification: Pathogenic for Simpson-Golabi-Behmel syndrome type 1. Last evaluated: 2026-03-15. Review status: criteria provided, single submitter. Criteria: ACMG Guidelines, 2015. Collection method: clinical testing. Allele origin: germline. Affected: yes.
Comment: This variant is classified as Pathogenic. Evidence in support of pathogenic classification: Variant is predicted to cause nonsense-mediated decay (NMD) and loss of protein (premature termination codon is located at least 54 nucleotides upstream of the final exon-exon junction); Variant is absent from gnomAD (v2, v3 and v4); Other NMD-predicted variant(s) comparable to the one identified in this case have very strong previous evidence for pathogenicity (DECIPHER). Additional information: This variant is heterozygous; This gene is associated with X-linked disease; This variant has no previous evidence of pathogenicity; No published evidence of segregation with disease has been identified for this variant; No published functional evidence has been identified for this variant; Loss of function is a known mechanism of disease in this gene and is associated with Simpson-Golabi-Behmel syndrome, type 1 (MIM#312870); Variants in this gene are known to have variable expressivity. Heterozygous females may have mild manifestations due to skewed X-inactivation (PMID: 20301398).

Literature cited by the submitters: PubMed 20301398.